The following is an entry in ClinVar:

ClinVar aggregate classification (germline): Pathogenic/Likely pathogenic. Review status: criteria provided, multiple submitters, no conflicts (2 of 4 stars). 7 submissions from 7 submitters: Pathogenic (2); Likely pathogenic (5). Last evaluated 2025-12-19.

Conditions:
Ataxia-telangiectasia syndrome (AT). Also called: Ataxia-telangiectasia; Cerebello-oculocutaneous telangiectasia; Immunodeficiency with ataxia telangiectasia; Ataxia-telangiectasia, complementation group D; AT, COMPLEMENTATION GROUP C; LOUIS-BAR SYNDROME. Identifiers: Orphanet 100, MedGen C0004135, MONDO:0008840, OMIM 208900.
Familial cancer of breast. Also called: BREAST CANCER, FAMILIAL; hereditary breast carcinoma; Hereditary breast cancer. Identifiers: Orphanet 227535, MedGen C0346153, MONDO:0016419, OMIM 114480. Disease mechanism: loss of function.
Hereditary cancer-predisposing syndrome. Also called: Tumor predisposition; Hereditary neoplastic syndrome; Hereditary Cancer Syndrome; Neoplastic Syndromes, Hereditary. Identifiers: Orphanet 140162, MedGen C0027672, MeSH D009386, MONDO:0015356.
Hereditary breast ovarian cancer syndrome. Also called: Hereditary breast and ovarian cancer; Breast and ovarian cancer; BRCA1- and BRCA2-Associated Hereditary Breast and Ovarian Cancer; Hereditary breast and/or ovarian cancer syndrome; Hereditary breast and ovarian cancer syndrome; Hereditary breast and ovarian cancer syndrome (HBOC). Identifiers: Orphanet 145, MedGen C0677776, MeSH D061325, MONDO:0003582. Disease mechanism: loss of function.

Allele frequency attached by ClinVar (database versions not stated): gnomAD exomes below 0.00001.
gnomAD v4.1: 1 of 1,608,986 alleles (0.000062%); highest among the groups gnomAD compares: East Asian, 0.0022%; no homozygotes.

Submissions (7):

Ambry Genetics
Classification: Pathogenic for Hereditary cancer-predisposing syndrome. Last evaluated: 2025-12-19. Review status: criteria provided, single submitter. Criteria: Ambry Variant Classification Scheme 2023. Collection method: clinical testing. Allele origin: germline.
Comment: The c.3078G>T pathogenic mutation (also known as p.W1026C) is located in coding exon 20 of the ATM gene, results from a G to T substitution at nucleotide position 3078. The tryptophan at codon 1026 is replaced by cysteine, an amino acid with highly dissimilar properties. This change occurs in the first base pair of coding exon 20, which means it may have some effect on normal mRNA splicing. This alteration has been reported in conjunction with other ATM alterations in individuals affected with ataxia-telangiectasia (Chen Z et al. Neurobiol Aging, 2013 Oct;34:2442.e11-7; van Os NJH et al. Clin Immunol, 2017 05;178:45-55; van Os NJH et al. J Neurol, 2020 Mar;267:830-837).This nucleotide position is highly conserved in available vertebrate species. In silico splice site analysis predicts that this alteration will weaken the native splice acceptor site. RNA studies have demonstrated that this alteration results in abnormal splicing in the set of samples tested (Ambry internal data). This amino acid position is highly conserved in available vertebrate species. In addition, as a missense substitution, this alteration is predicted to be tolerated by in silico analysis. Based on the supporting evidence, this alteration is interpreted as a disease-causing mutation.

Natera, Inc.
Classification: Likely pathogenic for Ataxia-telangiectasia. Last evaluated: 2024-12-20. Review status: criteria provided, single submitter. Criteria: Natera Variant Classification Schema (03/2026). Collection method: clinical testing. Allele origin: germline.
Comment: The c.3078G>T variant in ATM is a missense variant predicted to cause substitution of tryptophan to cysteine at amino acid 1026. This variant is rare in the general population with a frequency below the threshold expected for the associated phenotype(s). This variant has been observed in one or more individuals affected with the associated recessive disease, as either homozygous or compound heterozygous with a second variant (PMID: 23726790, 28126470). This variant has been identified in one or more affected individuals with a phenotype highly consistent with the associated gene (PMID: 23726790, 28126470). Computational prediction algorithms indicate this variant is likely to affect gene or protein function. Given the available evidence, this variant is classified as Likely Pathogenic.

Labcorp Genetics (formerly Invitae), Labcorp
Classification: Likely pathogenic for Ataxia-telangiectasia syndrome. Last evaluated: 2024-12-17. Review status: criteria provided, single submitter. Criteria: Invitae Variant Classification Sherloc (09022015). Collection method: clinical testing. Allele origin: germline.
Comment: This sequence change replaces tryptophan, which is neutral and slightly polar, with cysteine, which is neutral and slightly polar, at codon 1026 of the ATM protein (p.Trp1026Cys). This variant is present in population databases (no rsID available, gnomAD 0.006%). This missense change has been observed in individual(s) with clinical features of ataxia-telangiectasia (PMID: 23726790, 28126470). In at least one individual the data is consistent with being in trans (on the opposite chromosome) from a pathogenic variant. ClinVar contains an entry for this variant (Variation ID: 234132). An algorithm developed to predict the effect of missense changes on protein structure and function (PolyPhen-2) suggests that this variant is likely to be tolerated. Algorithms developed to predict the effect of sequence changes on RNA splicing suggest that this variant may disrupt the consensus splice site. In summary, the currently available evidence indicates that the variant is pathogenic, but additional data are needed to prove that conclusively. Therefore, this variant has been classified as Likely Pathogenic.

German Consortium for Hereditary Breast and Ovarian Cancer, University Hospital Cologne
Classification: Pathogenic for Hereditary breast ovarian cancer syndrome. Last evaluated: 2024-10-08. Review status: criteria provided, single submitter. Criteria: ClinGen ATM V1.3.0. Collection method: curation. Allele origin: germline.
Comment: According to the ClinGen ACMG ATM v1.3.0 criteria we chose these criteria: PVS1 (very strong pathogenic): Eigene RNA-Analysen (37640): Skipping von Exon 21, . frame shift, monoallelische Expression, r.3078_3153del, p.(His1027Leufs*12), PM2 (supporting pathogenic): Grpmax Filtering AF = 6.215e-7, PM3 (strong pathogenic): Chen (2013, PMID: 23726790): phenotype confident but phase unknown --> 2 P van Os (2017 & 2020, PMID: 28126470 & 31776720): phenotype confident but phase unknown --> 2 P

Myriad Genetics, Inc.
Classification: Likely pathogenic for Familial cancer of breast. Last evaluated: 2024-01-18. Review status: criteria provided, single submitter. Criteria: Myriad Autosomal Dominant, Autosomal Recessive and X-Linked Classification Criteria (2023). Collection method: clinical testing. Allele origin: unknown.
Comment: This variant is considered likely pathogenic. mRNA analysis has demonstrated abnormal mRNA splicing occurs [Myriad internal data]. This variant has been reported in multiple individuals with clinical features of gene-specific disease [PMID: 23726790, 28126470].

Baylor Genetics
Classification: Likely pathogenic for Familial cancer of breast. Last evaluated: 2023-11-22. Review status: criteria provided, single submitter. Criteria: ACMG Guidelines, 2015. Collection method: clinical testing. Allele origin: unknown.

Institute of Medical Genetics and Applied Genomics, University Hospital Tübingen
Classification: Likely pathogenic. Last evaluated: 2020-10-23. Review status: criteria provided, single submitter. Criteria: ACMG Guidelines, 2015. Collection method: clinical testing. Allele origin: germline. Inheritance: Unknown mechanism. Affected: yes.

Literature cited by the submitters: PubMed 23726790 (cited by 4 submitters); PubMed 28126470 (cited by 4 submitters); PubMed 29522266 (cited by Ambry Genetics); PubMed 31776720 (cited by Ambry Genetics).

NM_000051.4(ATM):c.3078G>T (p.Trp1026Cys)

Gene: ATM (ATM serine/threonine kinase; plus strand). Cytogenetic location: 11q22.3.
Variant type: single nucleotide variant.
Coding change: c.3078G>T on transcript NM_000051.4 (MANE Select); coding-DNA position 3078, G replaced by T.
Protein change: p.Trp1026Cys; replaces tryptophan 1026 with cysteine.
Molecular consequence: missense variant.
Genome position (GRCh38, 1-based): chr11:108,272,532, G>T. VCF-style: chr11-108272532-G-T. GRCh37 (hg19) VCF-style: chr11-108143259-G-T.
Other names: c.3078G>T, p.Trp1026Cys (NM_001351834.2); short protein forms W1026C.
Identifiers: ClinVar variation 234132 (VCV000234132.20), dbSNP rs876660869, ClinGen allele CA10579081.